The following is an entry in ClinVar:

ClinVar aggregate classification (germline): Uncertain significance. Review status: criteria provided, multiple submitters, no conflicts (2 of 4 stars). 2 submissions from 2 submitters: Uncertain significance (2). Last evaluated 2025-12-27.

Allele frequency attached by ClinVar (database versions not stated): ExAC 0.00015; gnomAD exomes 0.00015.
gnomAD v4.1: 138 of 1,613,400 alleles (0.0086%); highest among the groups gnomAD compares: South Asian, 0.12%; 1 homozygote.

Submissions (2):

Labcorp Genetics (formerly Invitae), Labcorp
Classification: Uncertain significance. Last evaluated: 2025-12-27. Review status: criteria provided, single submitter. Criteria: Invitae Variant Classification Sherloc (09022015). Collection method: clinical testing. Allele origin: germline.
Comment: This sequence change replaces valine, which is neutral and non-polar, with phenylalanine, which is neutral and non-polar, at codon 60 of the KLF10 protein (p.Val60Phe). This variant is present in population databases (rs535965206, gnomAD 0.1%), and has an allele count higher than expected for a pathogenic variant. This variant has not been reported in the literature in individuals affected with KLF10-related conditions. ClinVar contains an entry for this variant (Variation ID: 1418062). An algorithm developed to predict the effect of missense changes on protein structure and function (PolyPhen-2) suggests that this variant is likely to be tolerated. In summary, the available evidence is currently insufficient to determine the role of this variant in disease. Therefore, it has been classified as a Variant of Uncertain Significance.

Ambry Genetics
Classification: Uncertain significance. Last evaluated: 2025-08-09. Review status: criteria provided, single submitter. Criteria: Ambry Variant Classification Scheme 2023. Collection method: clinical testing. Allele origin: germline.

NM_005655.4(KLF10):c.178G>T (p.Val60Phe)

Gene: KLF10 (KLF transcription factor 10; minus strand). Cytogenetic location: 8q22.3.
Variant type: single nucleotide variant.
Coding change: c.178G>T on transcript NM_005655.4 (MANE Select); coding-DNA position 178, G replaced by T.
Protein change: p.Val60Phe; replaces valine 60 with phenylalanine.
Molecular consequence: missense variant. On other transcripts: non-coding transcript variant (2).
Genome position (GRCh38, 1-based): chr8:102,652,256, C>A on the plus strand (G>T on the coding strand, the complement: KLF10 is on the minus strand). VCF-style: chr8-102652256-C-A. GRCh37 (hg19) VCF-style: chr8-103664484-C-A.
Other names: c.145G>T, p.Val49Phe (NM_001032282.4); c.178G>T (NM_005655.2); short protein forms V49F, V60F.
Identifiers: ClinVar variation 1418062 (VCV001418062.10), dbSNP rs535965206, ClinGen allele CA4833678.
Genomic context (GRCh38, chr8:102,652,256, plus strand): 5'-CCGGAAGCAGATTCTCTTCCTCTGACAAATCAGATACTGGTGTAACAGGTCTGTTTTCAA[C>A]GTATTTCTTAAAATCAGACTTCCAACTGCAGCTCATTGACATAAGTGCTTCTACAGCTTC-3'
Protein context (NP_005646.1, residues 50-70): CSWKSDFKKY[Val60Phe]ENRPVTPVSD